The following is an entry in ClinVar:

ClinVar aggregate classification (germline): Uncertain significance (1 of 4 stars; one submission).

Submission:

Labcorp Genetics (formerly Invitae), Labcorp
Classification: Uncertain significance. Last evaluated: 2024-04-16. Review status: criteria provided, single submitter. Criteria: Invitae Variant Classification Sherloc (09022015). Collection method: clinical testing. Allele origin: germline.
Comment: This sequence change replaces proline, which is neutral and non-polar, with glutamine, which is neutral and polar, at codon 191 of the HOXB13 protein (p.Pro191Gln). This variant is not present in population databases (gnomAD no frequency). This variant has not been reported in the literature in individuals affected with HOXB13-related conditions. ClinVar contains an entry for this variant (Variation ID: 1019794). Advanced modeling of protein sequence and biophysical properties (such as structural, functional, and spatial information, amino acid conservation, physicochemical variation, residue mobility, and thermodynamic stability) performed at Invitae indicates that this missense variant is not expected to disrupt HOXB13 protein function with a negative predictive value of 80%. In summary, the available evidence is currently insufficient to determine the role of this variant in disease. Therefore, it has been classified as a Variant of Uncertain Significance.

NM_006361.6(HOXB13):c.572C>A (p.Pro191Gln)

Gene: HOXB13 (homeobox B13; minus strand). Cytogenetic location: 17q21.32.
Variant type: single nucleotide variant.
Coding change: c.572C>A on transcript NM_006361.6 (MANE Select); coding-DNA position 572, C replaced by A.
Protein change: p.Pro191Gln; replaces proline 191 with glutamine.
Molecular consequence: missense variant.
Genome position (GRCh38, 1-based): chr17:48,728,022, G>T on the plus strand (C>A on the coding strand, the complement: HOXB13 is on the minus strand). VCF-style: chr17-48728022-G-T. GRCh37 (hg19) VCF-style: chr17-46805384-G-T.
Other names: short protein forms P191Q.
Identifiers: ClinVar variation 1019794 (VCV001019794.9), dbSNP rs2038229628, ClinGen allele CA400107154.